The following is an entry in ClinVar:

NM_014956.5(CEP164):c.1717C>A (p.Pro573Thr)

Gene: CEP164 (centrosomal protein 164; plus strand). Cytogenetic location: 11q23.3.
Variant type: single nucleotide variant.
Coding change: c.1717C>A on transcript NM_014956.5 (MANE Select); coding-DNA position 1717, C replaced by A.
Protein change: p.Pro573Thr; replaces proline 573 with threonine.
Molecular consequence: missense variant.
Genome position (GRCh38, 1-based): chr11:117,382,935, C>A. VCF-style: chr11-117382935-C-A. GRCh37 (hg19) VCF-style: chr11-117253651-C-A.
Other names: c.1726C>A, p.Pro576Thr (NM_001271933.2); short protein forms P573T, P576T.
Identifiers: ClinVar variation 1052615 (VCV001052615.9), dbSNP rs779345917, ClinGen allele CA6294834.

ClinVar aggregate classification (germline): Uncertain significance. Review status: criteria provided, multiple submitters, no conflicts (2 of 4 stars). 2 submissions from 2 submitters: Uncertain significance (2). Last evaluated 2024-04-08.

Conditions:
Nephronophthisis 15 (NPHP15). Identifiers: Orphanet 3156, MedGen C3541853, MONDO:0013917, OMIM 614845.

Allele frequency attached by ClinVar (database versions not stated): ExAC 0.00002; TOPMed 0.00002; gnomAD exomes 0.00004; gnomAD 0.00005 and 0.00006.
gnomAD v4.1: 40 of 1,613,096 alleles (0.0025%); highest among the groups gnomAD compares: African/African-American, 0.0013%; no homozygotes.

Submissions (2):

Fulgent Genetics
Classification: Uncertain significance for Nephronophthisis 15. Last evaluated: 2024-04-08. Review status: criteria provided, single submitter. Criteria: ACMG Guidelines, 2015. Collection method: clinical testing. Allele origin: germline.

Labcorp Genetics (formerly Invitae), Labcorp
Classification: Uncertain significance for Nephronophthisis 15. Last evaluated: 2023-11-27. Review status: criteria provided, single submitter. Criteria: Invitae Variant Classification Sherloc (09022015). Collection method: clinical testing. Allele origin: germline.
Comment: This sequence change replaces proline, which is neutral and non-polar, with threonine, which is neutral and polar, at codon 573 of the CEP164 protein (p.Pro573Thr). This variant is present in population databases (rs779345917, gnomAD 0.04%). This variant has not been reported in the literature in individuals affected with CEP164-related conditions. ClinVar contains an entry for this variant (Variation ID: 1052615). Advanced modeling of protein sequence and biophysical properties (such as structural, functional, and spatial information, amino acid conservation, physicochemical variation, residue mobility, and thermodynamic stability) performed at Invitae indicates that this missense variant is not expected to disrupt CEP164 protein function with a negative predictive value of 80%. In summary, the available evidence is currently insufficient to determine the role of this variant in disease. Therefore, it has been classified as a Variant of Uncertain Significance.